The following is an entry in ClinVar:

ClinVar aggregate classification (germline): Uncertain significance (1 of 4 stars; one submission).

gnomAD v4.1: 2 of 1,613,544 alleles (0.00012%); highest among the groups gnomAD compares: Middle Eastern, 0.016%; no homozygotes.

Submission:

CeGaT Center for Human Genetics Tuebingen
Classification: Uncertain significance. Last evaluated: 2026-06-01. Review status: criteria provided, single submitter. Criteria: CeGaT Center For Human Genetics Tuebingen Variant Classification Criteria Version 2. Collection method: clinical testing. Allele origin: germline. Affected: yes. Observed: 1 variant allele.
Comment: THBS2: PM2, BP4

NM_003247.5(THBS2):c.124G>T (p.Ala42Ser)

Gene: THBS2 (thrombospondin 2; minus strand). Cytogenetic location: 6q27.
Variant type: single nucleotide variant.
Coding change: c.124G>T on transcript NM_003247.5 (MANE Select); coding-DNA position 124, G replaced by T.
Protein change: p.Ala42Ser; replaces alanine 42 with serine.
Molecular consequence: missense variant. On other transcripts: 5 prime UTR variant (1), non-coding transcript variant (2).
Genome position (GRCh38, 1-based): chr6:169,248,902, C>A on the plus strand (G>T on the coding strand, the complement: THBS2 is on the minus strand). VCF-style: chr6-169248902-C-A. GRCh37 (hg19) VCF-style: chr6-169648997-C-A.
Other names: c.124G>T, p.Ala42Ser (NM_001381939.1, NM_001381940.1, NM_001381941.1); c.-108G>T (NM_001381942.1); short protein forms A42S.
Identifiers: ClinVar variation 5039532 (VCV005039532.1).
Genomic context (GRCh38, chr6:169,248,902, plus strand): 5'-AGTCAAAGCGCACGAAGCGGTAAGCCGGCACGCCGGGGTCGGGCCCGCGGAACTGCTTGG[C>A]GCCAATGGTCTTGCGGTTGATGTTGCTGATACTGAAAAGGTCGAAGGTCGTGTCTTTGTC-3'
Protein context (NP_003238.2, residues 32-52): ISNINRKTIG[Ala42Ser]KQFRGPDPGV